The following is an entry in ClinVar:

ClinVar aggregate classification (germline): Uncertain significance (1 of 4 stars; one submission).

Allele frequency attached by ClinVar (database versions not stated): gnomAD 0.00001; TOPMed 0.00002.
gnomAD v4.1: 36 of 1,613,494 alleles (0.0022%); highest among the groups gnomAD compares: South Asian, 0.0033%; no homozygotes.

Submission:

CeGaT Center for Human Genetics Tuebingen
Classification: Uncertain significance. Last evaluated: 2023-03-01. Review status: criteria provided, single submitter. Criteria: CeGaT Center For Human Genetics Tuebingen Variant Classification Criteria Version 2. Collection method: clinical testing. Allele origin: germline. Affected: yes. Observed: 1 variant allele.
Comment: HSPG2: PM2, BP4

NM_005529.7(HSPG2):c.8587C>T (p.Arg2863Cys)

Gene: HSPG2 (heparan sulfate proteoglycan 2; minus strand). Cytogenetic location: 1p36.12.
Variant type: single nucleotide variant.
Coding change: c.8587C>T on transcript NM_005529.7 (MANE Select); coding-DNA position 8587, C replaced by T.
Protein change: p.Arg2863Cys; replaces arginine 2863 with cysteine.
Molecular consequence: missense variant.
Genome position (GRCh38, 1-based): chr1:21,844,177, G>A on the plus strand (C>T on the coding strand, the complement: HSPG2 is on the minus strand). VCF-style: chr1-21844177-G-A. GRCh37 (hg19) VCF-style: chr1-22170670-G-A.
Other names: c.8590C>T, p.Arg2864Cys (NM_001291860.2); short protein forms R2863C, R2864C.
Identifiers: ClinVar variation 2638454 (VCV002638454.24), dbSNP rs748522136, ClinGen allele CA670732.
Genomic context (GRCh38, chr1:21,844,177, plus strand): 5'-GGATGCATGCATCCTTCTCCAGCTCCTTTACCTGGTGCCGGGCAGGGAGGTTTCCTCCAC[G>A]CTTGTGCCACGTGACCTGGGCGTGGGCCTGCCCGGGCACCACGCACTTCAGATCCAGGGT-3'
Protein context (NP_005520.4, residues 2853-2873): QAHAQVTWHK[Arg2863Cys]GGNLPARHQV